The following is an entry in ClinVar:

NM_005618.4(DLL1):c.1610_1611insCTA (p.Glu537delinsAspTer)

Gene: DLL1 (delta like canonical Notch ligand 1; minus strand). Cytogenetic location: 6q27.
Variant type: Insertion.
Coding change: c.1610_1611insCTA on transcript NM_005618.4 (MANE Select); coding-DNA positions 1610 to 1611, CTA inserted.
Protein change: p.Glu537delinsAspTer.
Molecular consequence: nonsense.
Genome position: GRCh38 VCF-style: chr6-170283668-C-CTAG. GRCh37 (hg19) VCF-style: chr6-170592756-C-CTAG.
Identifiers: ClinVar variation 1709858 (VCV001709858.1), dbSNP rs2483346817, ClinGen allele CA2580075336.

ClinVar aggregate classification (germline): Uncertain significance (1 of 4 stars; one submission).

Conditions:
Neurodevelopmental disorder with nonspecific brain abnormalities and with or without seizures. Identifiers: MedGen C5231470, MONDO:0032877, OMIM 618709.

Submission:

MGZ Medical Genetics Center
Classification: Uncertain significance for Neurodevelopmental disorder with nonspecific brain abnormalities and with or without seizures. Last evaluated: 2021-06-22. Review status: criteria provided, single submitter. Criteria: ACMG Guidelines, 2015. Collection method: clinical testing. Allele origin: germline. Affected: yes. Observed: 1 variant allele.
Comment: ACMG criteria applied: PS2_MOD, PM4, PM2_SUP